The following is an entry in ClinVar:

NM_001128178.3(NPHP1):c.771+145C>T

Gene: NPHP1 (nephrocystin 1; minus strand). Cytogenetic location: 2q13.
Variant type: single nucleotide variant.
Coding change: c.771+145C>T on transcript NM_001128178.3 (MANE Select); 145 bases into the intron after coding-DNA position 771, C replaced by T.
Molecular consequence: intron variant. On other transcripts: synonymous variant (2).
Genome position (GRCh38, 1-based): chr2:110,164,543, G>A on the plus strand (C>T on the coding strand, the complement: NPHP1 is on the minus strand). VCF-style: chr2-110164543-G-A. GRCh37 (hg19) VCF-style: chr2-110922120-G-A.
Other names: c.916C>T (NM_000272.3); c.916C>T, p.Leu306= (NM_000272.5, NM_207181.4); c.585+145C>T (NM_001128179.3); c.771+145C>T (NM_001374256.1, NM_001374257.1).
Identifiers: ClinVar variation 2914090 (VCV002914090.25), dbSNP rs1408845012, ClinGen allele CA427918874.

ClinVar aggregate classification (germline): Likely benign. Review status: criteria provided, multiple submitters, no conflicts (2 of 4 stars). 3 submissions from 3 submitters: Likely benign (2). 1 of the submissions does not count toward it. Last evaluated 2025-11-16.

Conditions:
NPHP1-related disorder. Also called: NPHP1-related condition; NPHP1-related disorders.
Nephronophthisis. Also called: Juvenile Nephronophthisis. Identifiers: Orphanet 655, MedGen C0687120, MONDO:0019005, HP:0000090.

Allele frequency attached by ClinVar (database versions not stated): TOPMed below 0.00001.
gnomAD v4.1: 17 of 1,565,382 alleles (0.0011%); highest among the groups gnomAD compares: Non-Finnish European, 0.0015%; no homozygotes.

Submissions (3):

Labcorp Genetics (formerly Invitae), Labcorp
Classification: Likely benign for Nephronophthisis. Last evaluated: 2025-11-16. Review status: criteria provided, single submitter. Criteria: Invitae Variant Classification Sherloc (09022015). Collection method: clinical testing. Allele origin: germline.

CeGaT Center for Human Genetics Tuebingen
Classification: Likely benign. Last evaluated: 2024-03-01. Review status: criteria provided, single submitter. Criteria: CeGaT Center For Human Genetics Tuebingen Variant Classification Criteria Version 2. Collection method: clinical testing. Allele origin: germline. Affected: yes. Observed: 1 variant allele.
Comment: NPHP1: PM2:Supporting, BP4, BP7

PreventionGenetics, part of Exact Sciences
Classification: Likely benign for NPHP1-related condition. Last evaluated: 2024-02-21. Review status: no assertion criteria provided. Collection method: clinical testing. Allele origin: germline. Not counted in ClinVar's aggregate classification.
Comment: This variant is classified as likely benign based on ACMG/AMP sequence variant interpretation guidelines (Richards et al. 2015 PMID: 25741868, with internal and published modifications).